The following is an entry in ClinVar:

ClinVar aggregate classification (germline): Benign (1 of 4 stars; one submission).

Conditions:
MELAS syndrome (MELAS). Also called: Juvenile myopathy, encephalopathy, lactic acidosis, stroke. Identifiers: Orphanet 550, MedGen C0162671, MONDO:0010789, OMIM 540000.

Submission:

Wong Mito Lab, Molecular and Human Genetics, Baylor College of Medicine
Classification: Benign for MELAS syndrome. Last evaluated: 2019-07-12. Review status: criteria provided, single submitter. Criteria: Modified ACMG Guidelines (Unpublished). Collection method: clinical testing. Allele origin: germline.
Comment: The NC_012920.1:m.5836A>G variant in MT-TY gene is interpreted to be a Benign variant based on the modified ACMG guidelines (unpublished). This variant meets the following evidence codes reported in the guidelines: BS1, BS2, BP4

Literature cited by the submitters: PubMed 31965079.

NC_012920.1(MT-TY):m.5836A>G

Gene: MT-TY (mitochondrially encoded tRNA tyrosine; minus strand).
Variant type: single nucleotide variant.
Genome position: chrM-5836-A-G.
Identifiers: ClinVar variation 690009 (VCV000690009.1), dbSNP rs386828979, ClinGen allele CA337097263.